The following is an entry in ClinVar:

Single allele

Gene: UBR7 (ubiquitin protein ligase E3 component n-recognin 7; plus strand). Cytogenetic location: 14q32.12.
Variant type: Deletion.
Identifiers: ClinVar variation 4879178 (VCV004879178.1).

ClinVar aggregate classification (germline): Pathogenic (1 of 4 stars; one submission).

Conditions:
Li-Campeau syndrome. Identifiers: MedGen C5543068, MONDO:0030963, OMIM 619189.

Submission:

Department of Medical Genetics, Gazi University
Classification: Pathogenic for Li-Campeau syndrome. Last evaluated: 2026-07-03. Review status: criteria provided, single submitter. Criteria: ACGS Best Practice Guidelines for Variant Classification in Rare Disease 2024. Collection method: clinical testing. Allele origin: biparental. Inheritance: Autosomal recessive inheritance. Affected: yes. Observed: 1 variant allele, 1 homozygote.
Comment: This homozygous deletion involves exon 7 of UBR7 (NM_175748.4; NC_000014.8:g.93684622_93685319del) together with flanking intronic sequence, and was identified by exome-based read-depth copy-number analysis and confirmed by conventional PCR. As both breakpoints lie within UBR7 and involve a coding exon, the variant was evaluated using the sequence-variant (PVS1) decision tree rather than the CNV framework, in accordance with ACGS guidance (Durkie et al., 2023). Biallelic loss-of-function variants in UBR7 cause autosomal recessive Li-Campeau syndrome (MIM #619189). Removal of a coding exon is predicted to disrupt the reading frame and result in a null allele via nonsense-mediated decay, consistent with the established disease mechanism (PVS1). The variant is absent from large population databases such as gnomAD (PM2). Under the ACGS point-based scoring system, these criteria yield a total consistent with a pathogenic classification.